The following is an entry in ClinVar:

ClinVar aggregate classification (germline): Uncertain significance (1 of 4 stars; one submission).

Conditions:
Early-onset myopathy with fatal cardiomyopathy (CMYO5). Also called: Salih Myopathy; CONGENITAL MYOPATHY 5 WITH CARDIOMYOPATHY. Identifiers: Orphanet 289377, MedGen C2673677, MONDO:0012714, OMIM 611705. Disease mechanism: loss of function.
Hypertrophic cardiomyopathy 9. Also called: Familial hypertrophic cardiomyopathy 9. Identifiers: MedGen C1861065, MONDO:0013412, OMIM 613765.
Autosomal recessive limb-girdle muscular dystrophy type 2J (LGMDR10). Also called: Limb-girdle muscular dystrophy, type 2J; MUSCULAR DYSTROPHY, LIMB-GIRDLE, AUTOSOMAL RECESSIVE 10. Identifiers: Orphanet 140922, MedGen C1837342, MONDO:0012127, OMIM 608807.
Dilated cardiomyopathy 1G (CMD1G). Identifiers: Orphanet 154, MedGen C1858763, MONDO:0011400, OMIM 604145.
Tibial muscular dystrophy (TMD). Also called: UDD MYOPATHY; Udd Distal Myopathy – Tibial Muscular Dystrophy; Tibial muscular dystrophy, tardive. Identifiers: Orphanet 609, MedGen C1838244, MONDO:0010870, OMIM 600334.
Myopathy, myofibrillar, 9, with early respiratory failure (MFM9). Also called: MYOPATHY, PROXIMAL, WITH EARLY RESPIRATORY MUSCLE INVOLVEMENT; EDSTROM MYOPATHY; Hereditary myopathy with early respiratory failure; Myopathy, distal, with early respiratory failure, autosomal dominant. Identifiers: Orphanet 178464, Orphanet 34521, MedGen C1863599, MONDO:0011362, OMIM 603689.

Submission:

Juno Genomics, Hangzhou Juno Genomics, Inc
Classification: Uncertain significance for Hypertrophic cardiomyopathy 9; Dilated cardiomyopathy 1G; Early-onset myopathy with fatal cardiomyopathy; Autosomal recessive limb-girdle muscular dystrophy type 2J; Myopathy, myofibrillar, 9, with early respiratory failure; Tibial muscular dystrophy. Review status: criteria provided, single submitter. Criteria: ACMG Guidelines, 2015. Collection method: clinical testing. Allele origin: germline.
Comment: Absent from controls (or at extremely low frequency if recessive) in Genome Aggregation Database.;Missense variant in a gene that has a low rate of benign missense variation.

NM_001267550.2(TTN):c.81385G>A (p.Asp27129Asn)

Genes: TTN (titin; minus strand), TTN-AS1 (TTN antisense RNA 1; plus strand). Cytogenetic location: 2q31.2.
Variant type: single nucleotide variant.
Coding change: c.81385G>A on transcript NM_001267550.2 (MANE Select); coding-DNA position 81385, G replaced by A.
Protein change: p.Asp27129Asn; replaces aspartic acid 27129 with asparagine.
Molecular consequence: missense variant.
Genome position (GRCh38, 1-based): chr2:178,564,747, C>T on the plus strand (G>A on the coding strand, the complement: TTN is on the minus strand). VCF-style: chr2-178564747-C-T. GRCh37 (hg19) VCF-style: chr2-179429474-C-T.
Other names: c.76462G>A, p.Asp25488Asn (NM_001256850.1); c.54190G>A, p.Asp18064Asn (NM_003319.4); c.73681G>A, p.Asp24561Asn (NM_133378.4); c.54565G>A, p.Asp18189Asn (NM_133432.3); c.54766G>A, p.Asp18256Asn (NM_133437.4); short protein forms D18064N, D18189N, D18256N, D24561N, D25488N, D27129N.
Identifiers: ClinVar variation 5019692 (VCV005019692.2).